The following is an entry in ClinVar:

ClinVar aggregate classification (germline): Pathogenic/Likely pathogenic. Review status: criteria provided, multiple submitters, no conflicts (2 of 4 stars). 5 submissions from 4 submitters: Pathogenic (2); Likely pathogenic (2). 1 of the submissions does not count toward it. Last evaluated 2021-01-12.

Conditions:
Retinal dystrophy. Also called: Inherited retinal dystrophy. Identifiers: Orphanet 71862, MedGen C0854723, MeSH D058499, MONDO:0019118, HP:0000556.
Severe early-childhood-onset retinal dystrophy (STGD1). Also called: MACULAR DYSTROPHY WITH FLECKS, TYPE 1; STGD; Stargardt macular dystrophy; Juvenile onset macular degeneration; Stargardt disease 1. Identifiers: Orphanet 364055, Orphanet 827, MedGen C1855465, MeSH D000080362, MONDO:0009549, OMIM 248200.

Allele frequency attached by ClinVar (database versions not stated): TOPMed 0.00001.
gnomAD v4.1: 4 of 1,608,892 alleles (0.00025%); highest among the groups gnomAD compares: Non-Finnish European, 0.00034%; no homozygotes.

Submissions (5):

Labcorp Genetics (formerly Invitae), Labcorp
Classification: Pathogenic. Last evaluated: 2021-01-12. Review status: criteria provided, single submitter. Criteria: Invitae Variant Classification Sherloc (09022015). Collection method: clinical testing. Allele origin: germline.
Comment: This variant has been observed in individual(s) with Stargardt disease (PMID: 10958763, 29925512). In at least one individual the data is consistent with the variant being in trans (on the opposite chromosome) from a pathogenic variant. ClinVar contains an entry for this variant (Variation ID: 99285). Advanced modeling of protein sequence and biophysical properties (such as structural, functional, and spatial information, amino acid conservation, physicochemical variation, residue mobility, and thermodynamic stability) performed at Invitae indicates that this missense variant is expected to disrupt ABCA4 protein function. This variant disrupts the p.Cys1488 amino acid residue in ABCA4. Other variant(s) that disrupt this residue have been determined to be pathogenic (PMID: 29555955, 28559085, 29925512, 22449572). This suggests that this residue is clinically significant, and that variants that disrupt this residue are likely to be disease-causing. For these reasons, this variant has been classified as Pathogenic. This variant is not present in population databases (ExAC no frequency). This sequence change replaces cysteine with tyrosine at codon 1488 of the ABCA4 protein (p.Cys1488Tyr). The cysteine residue is highly conserved and there is a large physicochemical difference between cysteine and tyrosine.

CeGaT Center for Human Genetics Tuebingen
Classification: Pathogenic. Last evaluated: 2019-11-01. Review status: criteria provided, single submitter. Criteria: CeGaT Center For Human Genetics Tuebingen Variant Classification Criteria Version 2. Collection method: clinical testing. Allele origin: germline. Affected: yes. Observed: 1 variant allele.

Institute of Human Genetics, Univ. Regensburg, Univ. Regensburg
Classification: Likely pathogenic for Retinal dystrophy. Last evaluated: 2019-01-01. Review status: criteria provided, single submitter. Criteria: ACMG Guidelines, 2015. Collection method: clinical testing. Allele origin: germline. Affected: yes.

Institute of Human Genetics, Univ. Regensburg, Univ. Regensburg
Classification: Likely pathogenic for Severe early-childhood-onset retinal dystrophy. Last evaluated: 2016-01-01. Review status: criteria provided, single submitter. Criteria: Schulz et al. (Invest Ophthalmol Vis Sci. 2017). Collection method: clinical testing. Allele origin: germline. Affected: yes. Observed: 1 heterozygote.

Retina International
No classification provided. Review status: no classification provided. Collection method: not provided. Allele origin: not provided. Not counted in ClinVar's aggregate classification.

Literature cited by the submitters: PubMed 10958763 (cited by Labcorp Genetics (formerly Invitae), Labcorp and Institute of Human Genetics, Univ. Regensburg, Univ. Regensburg); PubMed 29925512 (cited by Labcorp Genetics (formerly Invitae), Labcorp and Institute of Human Genetics, Univ. Regensburg, Univ. Regensburg); PubMed 29555955 (cited by Labcorp Genetics (formerly Invitae), Labcorp and Institute of Human Genetics, Univ. Regensburg, Univ. Regensburg); PubMed 28559085 (cited by Labcorp Genetics (formerly Invitae), Labcorp); PubMed 22449572 (cited by Labcorp Genetics (formerly Invitae), Labcorp); PubMed 29310964 (cited by Institute of Human Genetics, Univ. Regensburg, Univ. Regensburg); PubMed 32307445 (cited by Institute of Human Genetics, Univ. Regensburg, Univ. Regensburg); PubMed 32531858 (cited by Institute of Human Genetics, Univ. Regensburg, Univ. Regensburg); PubMed 36284460 (cited by Institute of Human Genetics, Univ. Regensburg, Univ. Regensburg).

NM_000350.3(ABCA4):c.4463G>A (p.Cys1488Tyr)

Gene: ABCA4 (ATP binding cassette subfamily A member 4; minus strand). Cytogenetic location: 1p22.1.
Variant type: single nucleotide variant.
Coding change: c.4463G>A on transcript NM_000350.3 (MANE Select); coding-DNA position 4463, G replaced by A.
Protein change: p.Cys1488Tyr; replaces cysteine 1488 with tyrosine.
Molecular consequence: missense variant.
Genome position (GRCh38, 1-based): chr1:94,029,521, C>T on the plus strand (G>A on the coding strand, the complement: ABCA4 is on the minus strand). VCF-style: chr1-94029521-C-T. GRCh37 (hg19) VCF-style: chr1-94495077-C-T.
Other names: c.4241G>A, p.Cys1414Tyr (NM_001425324.1); short protein forms C1488Y, C1414Y.
Identifiers: ClinVar variation 99285 (VCV000099285.48), dbSNP rs61750147, ClinGen allele CA227194.